The following is an entry in ClinVar:

ClinVar aggregate classification (germline): Uncertain significance. Review status: criteria provided, multiple submitters, no conflicts (2 of 4 stars). 2 submissions from 2 submitters: Uncertain significance (2). Last evaluated 2023-08-30.

Conditions:
Cardiomyopathy (CMYO). Also called: Cardiomyopathies. Identifiers: Orphanet 167848, MedGen C0878544, MONDO:0004994, HP:0001638. Inheritance: Various modes of inheritance.
Charcot-Marie-Tooth disease type 2. Also called: Charcot-Marie-Tooth type 2. Identifiers: Orphanet 64746, MedGen C0270914, MONDO:0018993.

Submissions (2):

Labcorp Genetics (formerly Invitae), Labcorp
Classification: Uncertain significance for Charcot-Marie-Tooth disease type 2. Last evaluated: 2023-08-30. Review status: criteria provided, single submitter. Criteria: Invitae Variant Classification Sherloc (09022015). Collection method: clinical testing. Allele origin: germline.
Comment: In summary, the available evidence is currently insufficient to determine the role of this variant in disease. Therefore, it has been classified as a Variant of Uncertain Significance. Advanced modeling of protein sequence and biophysical properties (such as structural, functional, and spatial information, amino acid conservation, physicochemical variation, residue mobility, and thermodynamic stability) performed at Invitae indicates that this missense variant is expected to disrupt LMNA protein function. ClinVar contains an entry for this variant (Variation ID: 1018228). This variant has not been reported in the literature in individuals affected with LMNA-related conditions. This variant is present in population databases (rs745997478, gnomAD 0.0009%). This sequence change replaces arginine, which is basic and polar, with proline, which is neutral and non-polar, at codon 627 of the LMNA protein (p.Arg627Pro).

Color Diagnostics, LLC DBA Color Health
Classification: Uncertain significance for Cardiomyopathy. Last evaluated: 2023-08-15. Review status: criteria provided, single submitter. Criteria: ACMG Guidelines, 2015. Collection method: clinical testing. Allele origin: germline.
Comment: This missense variant replaces arginine with proline at codon 627 of the lamin A protein. Computational prediction is inconclusive regarding the impact of this variant on protein structure and function (internally defined REVEL score threshold 0.5 < inconclusive < 0.7, PMID: 27666373). To our knowledge, functional studies have not been reported for this variant. This variant has not been reported in individuals affected with LMNA-related disorders in the literature. This variant has been identified in 1/248568 chromosomes in the general population by the Genome Aggregation Database (gnomAD). The available evidence is insufficient to determine the role of this variant in disease conclusively. Therefore, this variant is classified as a Variant of Uncertain Significance.

NM_170707.4(LMNA):c.1880G>C (p.Arg627Pro)

Gene: LMNA (lamin A/C; plus strand). Cytogenetic location: 1q22.
Variant type: single nucleotide variant.
Coding change: c.1880G>C on transcript NM_170707.4 (MANE Select); coding-DNA position 1880, G replaced by C.
Protein change: p.Arg627Pro; replaces arginine 627 with proline.
Molecular consequence: missense variant. On other transcripts: intron variant (1).
Genome position (GRCh38, 1-based): chr1:156,138,669, G>C. VCF-style: chr1-156138669-G-C. GRCh37 (hg19) VCF-style: chr1-156108460-G-C.
Other names: c.1790G>C, p.Arg597Pro (NM_170708.4); c.1818+62G>C (NM_001282626.2); c.1544G>C, p.Arg515Pro (NM_001257374.3); short protein forms R515P, R597P, R627P.
Identifiers: ClinVar variation 1018228 (VCV001018228.10), dbSNP rs745997478, ClinGen allele CA051536.
Genomic context (GRCh38, chr1:156,138,669, plus strand): 5'-TGGGCGGACCCATCTCCTCTGGCTCTTCTGCCTCCAGTGTCACGGTCACTCGCAGCTACC[G>C]CAGTGTGGGGGGCAGTGGGGGTGGCAGCTTCGGGGACAATCTGGTCACCCGCTCCTACCT-3'
Protein context (NP_733821.1, residues 617-637): ASSVTVTRSY[Arg627Pro]SVGGSGGGSF